The following is an entry in ClinVar:

ClinVar aggregate classification (germline): Benign. Review status: criteria provided, multiple submitters, no conflicts (2 of 4 stars). 6 submissions from 6 submitters: Benign (6). Last evaluated 2026-01-27.

Conditions:
Hemolytic anemia due to adenylate kinase deficiency (CNSHA3). Also called: ANEMIA, CONGENITAL, NONSPHEROCYTIC HEMOLYTIC, 3. Identifiers: Orphanet 86817, MedGen C2675459, MONDO:0012967, OMIM 612631.

Allele frequency attached by ClinVar (database versions not stated): TOPMed 0.02456; gnomAD 0.02507 and 0.02731; ESP Exome Variant Server 0.02614; 1000 Genomes Project 30x 0.02780; 1000 Genomes Project 0.03015; gnomAD exomes 0.03826 and 0.03891; ExAC 0.05904.
gnomAD v4.1: 60,711 of 1,603,830 alleles (3.8%); highest among the groups gnomAD compares: South Asian, 10%; 1,477 homozygotes.

Submissions (6):

Labcorp Genetics (formerly Invitae), Labcorp
Classification: Benign. Last evaluated: 2026-01-27. Review status: criteria provided, single submitter. Criteria: Invitae Variant Classification Sherloc (09022015). Collection method: clinical testing. Allele origin: germline.

ARUP Laboratories, Molecular Genetics and Genomics, ARUP Laboratories
Classification: Benign for Hemolytic anemia due to adenylate kinase deficiency. Last evaluated: 2025-07-31. Review status: criteria provided, single submitter. Criteria: ARUP Molecular Germline Variant Investigation Process 2024. Collection method: clinical testing. Allele origin: germline.

GeneDx
Classification: Benign. Last evaluated: 2021-06-09. Review status: criteria provided, single submitter. Criteria: GeneDx Variant Classification Process June 2021. Collection method: clinical testing. Allele origin: germline. Affected: yes.

Mayo Clinic Laboratories, Mayo Clinic
Classification: Benign. Last evaluated: 2017-05-31. Review status: criteria provided, single submitter. Criteria: ACMG Guidelines, 2015. Collection method: clinical testing. Allele origin: germline. Observed: 150 variant alleles.

Laboratory for Molecular Medicine, Mass General Brigham Personalized Medicine
Classification: Benign. Last evaluated: 2016-03-28. Review status: criteria provided, single submitter. Criteria: LMM Criteria. Collection method: clinical testing. Allele origin: germline.
Comment: Variant identified in a genome or exome case(s) and assessed due to predicted null impact of the variant or pathogenic assertions in the literature or databases. Disclaimer: This variant has not undergone full assessment. The following are preliminary notes: Frequency

Breakthrough Genomics
Classification: Benign. Review status: criteria provided, single submitter. Criteria: ACMG Guidelines, 2015. Collection method: not provided. Allele origin: germline. Inheritance: Autosomal recessive inheritance. Affected: yes.

NM_000476.3(AK1):c.367G>C (p.Glu123Gln)

Genes: AK1 (adenylate kinase 1; minus strand), ST6GALNAC4-ST6GALNAC6-AK1 (ST6GALNAC4-ST6GALNAC6-AK1 readthrough; minus strand). Cytogenetic location: 9q34.11.
Variant type: single nucleotide variant.
Coding change: c.367G>C on transcript NM_000476.3 (MANE Select); coding-DNA position 367, G replaced by C.
Protein change: p.Glu123Gln; replaces glutamic acid 123 with glutamine.
Molecular consequence: missense variant.
Genome position (GRCh38, 1-based): chr9:127,868,470, C>G on the plus strand (G>C on the coding strand, the complement: AK1 is on the minus strand). VCF-style: chr9-127868470-C-G. GRCh37 (hg19) VCF-style: chr9-130630749-C-G.
Other names: c.367G>C, p.Glu123Gln (NM_001318121.1); c.415G>C, p.Glu139Gln (NM_001318122.2); short protein forms E123Q, E139Q.
Identifiers: ClinVar variation 402354 (VCV000402354.30), dbSNP rs8192462, ClinGen allele CA5253354.